The following is an entry in ClinVar:

ClinVar aggregate classification (germline): Benign/Likely benign. Review status: criteria provided, multiple submitters, no conflicts (2 of 4 stars). 3 submissions from 3 submitters: Benign (1); Likely benign (2). Last evaluated 2026-01-05.

Conditions:
Pyruvate carboxylase deficiency. Also called: Pyruvate Carboxylase Deficiency Disease; LEIGH NECROTIZING ENCEPHALOPATHY DUE TO PYRUVATE CARBOXYLASE DEFICIENCY; LEIGH SYNDROME DUE TO PYRUVATE CARBOXYLASE DEFICIENCY; PC DEFICIENCY; ATAXIA WITH LACTIC ACIDOSIS II. Identifiers: Orphanet 3008, MedGen C0034341, MONDO:0009949, OMIM 266150.

Allele frequency attached by ClinVar (database versions not stated): gnomAD below 0.00001 and 0.00016; TOPMed 0.00002; gnomAD exomes 0.00024 and 0.00049; ExAC 0.00062; 1000 Genomes Project 30x 0.00094; 1000 Genomes Project 0.00120.
gnomAD v4.1: 377 of 1,613,866 alleles (0.023%); highest among the groups gnomAD compares: South Asian, 0.39%; 5 homozygotes.

Submissions (3):

Labcorp Genetics (formerly Invitae), Labcorp
Classification: Benign for Pyruvate carboxylase deficiency. Last evaluated: 2026-01-05. Review status: criteria provided, single submitter. Criteria: Invitae Variant Classification Sherloc (09022015). Collection method: clinical testing. Allele origin: germline.

GeneDx
Classification: Likely benign. Last evaluated: 2019-02-15. Review status: criteria provided, single submitter. Criteria: GeneDx Variant Classification Process June 2021. Collection method: clinical testing. Allele origin: germline. Affected: yes.

Illumina Laboratory Services, Illumina
Classification: Likely benign for Pyruvate carboxylase deficiency. Last evaluated: 2018-01-12. Review status: criteria provided, single submitter. Criteria: ICSL Variant Classification Criteria 13 December 2019. Collection method: clinical testing. Allele origin: germline.
Comment: This variant was observed in the ICSL laboratory as part of a predisposition screen in an ostensibly healthy population. It had not been previously curated by ICSL or reported in the Human Gene Mutation Database (HGMD: prior to June 1st, 2018), and was therefore a candidate for classification through an automated scoring system. Utilizing variant allele frequency, disease prevalence and penetrance estimates, and inheritance mode, an automated score was calculated to assess if this variant is too frequent to cause the disease. Based on the score and internal cut-off values, a variant classified as likely benign is not then subjected to further curation. The score for this variant resulted in a classification of likely benign for this disease.

NM_001040716.2(PC):c.2592T>C (p.Asn864=)

Gene: PC (pyruvate carboxylase; minus strand). Cytogenetic location: 11q13.2.
Variant type: single nucleotide variant.
Coding change: c.2592T>C on transcript NM_001040716.2 (MANE Select); coding-DNA position 2592, T replaced by C.
Protein change: p.Asn864=; no amino-acid change (asparagine 864 retained).
Molecular consequence: synonymous variant.
Genome position (GRCh38, 1-based): chr11:66,850,346, A>G on the plus strand (T>C on the coding strand, the complement: PC is on the minus strand). VCF-style: chr11-66850346-A-G. GRCh37 (hg19) VCF-style: chr11-66617817-A-G.
Other names: c.2592T>C, p.Asn864= (NM_000920.4, NM_022172.3).
Identifiers: ClinVar variation 719044 (VCV000719044.15), dbSNP rs375784582, ClinGen allele CA6131031.